The following is an entry in ClinVar:

NM_001278512.2(AP3B2):c.2809A>G (p.Ser937Gly)

Genes: CPEB1-AS1 (CPEB1 antisense RNA 1; plus strand), AP3B2 (adaptor related protein complex 3 subunit beta 2; minus strand). Cytogenetic location: 15q25.2.
Variant type: single nucleotide variant.
Coding change: c.2809A>G on transcript NM_001278512.2 (MANE Select); coding-DNA position 2809, A replaced by G.
Protein change: p.Ser937Gly; replaces serine 937 with glycine.
Molecular consequence: missense variant.
Genome position (GRCh38, 1-based): chr15:82,662,718, T>C on the plus strand (A>G on the coding strand, the complement: AP3B2 is on the minus strand). VCF-style: chr15-82662718-T-C. GRCh37 (hg19) VCF-style: chr15-83331470-T-C.
Other names: c.2656A>G, p.Ser886Gly (NM_001278511.2); c.2752A>G, p.Ser918Gly (NM_004644.5); short protein forms S886G, S918G, S937G.
Identifiers: ClinVar variation 3069033 (VCV003069033.2), dbSNP rs1313134160, ClinGen allele CA393308113.
Genomic context (GRCh38, chr15:82,662,718, plus strand): 5'-AGCCTCCTCCTCCACCCCATCCAAAGCCCTTCGCACCAATTTCGGGAAATTCTTGGATGC[T>C]GATGCCAGCAGGCAGTTTGGGAGTGCCCACATGCAGGCCCTTGATGGGGGTATCAGAGCT-3'
Protein context (NP_001265441.1, residues 927-947): VGTPKLPAGI[Ser937Gly]IQEFPEIESL

ClinVar aggregate classification (germline): Uncertain significance (1 of 4 stars; one submission).

Allele frequency attached by ClinVar (database versions not stated): gnomAD exomes below 0.00001.
gnomAD v4.1: 2 of 1,613,606 alleles (0.00012%); highest among the groups gnomAD compares: African/African-American, 0.0027%; no homozygotes.

Submission:

Women's Health and Genetics/Laboratory Corporation of America, LabCorp
Classification: Uncertain significance. Last evaluated: 2024-02-19. Review status: criteria provided, single submitter. Criteria: LabCorp Variant Classification Summary - May 2015. Collection method: clinical testing. Allele origin: germline.
Comment: Variant summary: AP3B2 c.2752A>G (p.Ser918Gly) results in a non-conservative amino acid change in the encoded protein sequence. Three of five in-silico tools predict a benign effect of the variant on protein function. The frequency data for this variant in gnomAD is considered unreliable, as metrics indicate poor data quality at this position. To our knowledge, no occurrence of c.2752A>G in individuals affected with Developmental And Epileptic Encephalopathy, 48 and no experimental evidence demonstrating its impact on protein function have been reported. No submitters have cited clinical-significance assessments for this variant to ClinVar. Based on the evidence outlined above, the variant was classified as uncertain significance.